The following is an entry in ClinVar:

ClinVar aggregate classification (germline): Pathogenic (1 of 4 stars; one submission).

Conditions:
KBG syndrome (KBGS). Also called: ANKRD11-Related KBG Syndrome. Identifiers: Orphanet 2332, MedGen C0220687, MONDO:0007846, OMIM 148050.

Submission:

Genetics Laboratory, UDIAT-Centre Diagnòstic, Hospital Universitari Parc Tauli
Classification: Pathogenic for KBG syndrome. Last evaluated: 2022-10-04. Review status: criteria provided, single submitter. Criteria: Parc Tauli Hospital Assertion Criteria 2021. Collection method: clinical testing. Allele origin: de novo. Inheritance: Autosomal dominant inheritance. Affected: yes.
Comment: PVS1;PM2_supporting;PM6

NM_013275.6(ANKRD11):c.4306G>T (p.Glu1436Ter)

Gene: ANKRD11 (ankyrin repeat domain 11; minus strand). Cytogenetic location: 16q24.3.
Variant type: single nucleotide variant.
Coding change: c.4306G>T on transcript NM_013275.6 (MANE Select); coding-DNA position 4306, G replaced by T.
Protein change: p.Glu1436Ter; replaces glutamic acid 1436 with a stop codon.
Molecular consequence: nonsense.
Genome position (GRCh38, 1-based): chr16:89,282,236, C>A on the plus strand (G>T on the coding strand, the complement: ANKRD11 is on the minus strand). VCF-style: chr16-89282236-C-A. GRCh37 (hg19) VCF-style: chr16-89348644-C-A.
Other names: c.4306G>T, p.Glu1436Ter (NM_001256182.2, NM_001256183.2); short protein forms E1436*.
Identifiers: ClinVar variation 1708236 (VCV001708236.2), dbSNP rs1439069684, ClinGen allele CA397157859.